The following is an entry in ClinVar:

ClinVar aggregate classification (germline): Likely benign. Review status: criteria provided, multiple submitters, no conflicts (2 of 4 stars). 3 submissions from 3 submitters: Likely benign (3). Last evaluated 2025-12-26.

Conditions:
TSPAN12-related disorder. Also called: TSPAN12-related condition.

Allele frequency attached by ClinVar (database versions not stated): gnomAD 0.00027; 1000 Genomes Project 30x 0.00031; TOPMed 0.00032; ESP Exome Variant Server 0.00038; 1000 Genomes Project 0.00040; gnomAD exomes 0.00049 and 0.00054; ExAC 0.00068.
gnomAD v4.1: 767 of 1,614,148 alleles (0.048%); highest among the groups gnomAD compares: Non-Finnish European, 0.056%; 2 homozygotes.

Submissions (3):

Labcorp Genetics (formerly Invitae), Labcorp
Classification: Likely benign. Last evaluated: 2025-12-26. Review status: criteria provided, single submitter. Criteria: Invitae Variant Classification Sherloc (09022015). Collection method: clinical testing. Allele origin: germline.

PreventionGenetics, part of Exact Sciences
Classification: Likely benign for TSPAN12-related condition. Last evaluated: 2025-06-19. Review status: criteria provided, single submitter. Criteria: ACMG Guidelines, 2015. Collection method: clinical testing. Allele origin: germline.
Comment: This variant is classified as likely benign based on ACMG/AMP sequence variant interpretation guidelines (Richards et al. 2015 PMID: 25741868, with internal and published modifications).

Blueprint Genetics
Classification: Likely benign. Last evaluated: 2024-09-19. Review status: criteria provided, single submitter. Criteria: ACMG Guidelines, 2015. Collection method: clinical testing. Allele origin: germline.

NM_012338.4(TSPAN12):c.833T>C (p.Leu278Pro)

Gene: TSPAN12 (tetraspanin 12; minus strand). Cytogenetic location: 7q31.31.
Variant type: single nucleotide variant.
Coding change: c.833T>C on transcript NM_012338.4 (MANE Select); coding-DNA position 833, T replaced by C.
Protein change: p.Leu278Pro; replaces leucine 278 with proline.
Molecular consequence: missense variant.
Genome position (GRCh38, 1-based): chr7:120,788,677, A>G on the plus strand (T>C on the coding strand, the complement: TSPAN12 is on the minus strand). VCF-style: chr7-120788677-A-G. GRCh37 (hg19) VCF-style: chr7-120428731-A-G.
Other names: short protein forms L278P.
Identifiers: ClinVar variation 708204 (VCV000708204.13), dbSNP rs151200827, ClinGen allele CA4453793.